The following is an entry in ClinVar:

ClinVar aggregate classification (germline): Benign/Likely benign. Review status: criteria provided, multiple submitters, no conflicts (2 of 4 stars). 7 submissions from 7 submitters: Benign (4); Likely benign (2). 1 of the submissions does not count toward it. Last evaluated 2026-02-02.

Conditions:
Brittle cornea syndrome 1 (BCS1). Also called: EDS6B; FRAGILITAS OCULI WITH JOINT HYPEREXTENSIBILITY; DYSGENESIS MESODERMALIS CORNEAE ET SCLERAE; CORNEAL FRAGILITY, KERATOGLOBUS, BLUE SCLERAE, JOINT HYPEREXTENSIBILITY; Corneal fragility keratoglobus, blue sclerae AND joint hypermobility. Identifiers: Orphanet 90354, MedGen C0268344, MONDO:0024543, OMIM 229200.
ZNF469-related disorder. Also called: ZNF469-related condition.
Cardiovascular phenotype. Identifiers: MedGen CN230736.

Submissions (7):

Labcorp Genetics (formerly Invitae), Labcorp
Classification: Benign. Last evaluated: 2026-02-02. Review status: criteria provided, single submitter. Criteria: Invitae Variant Classification Sherloc (09022015). Collection method: clinical testing. Allele origin: germline.

Women's Health and Genetics/Laboratory Corporation of America, LabCorp
Classification: Likely benign. Last evaluated: 2026-01-22. Review status: criteria provided, single submitter. Criteria: LabCorp Variant Classification Summary - May 2015. Collection method: clinical testing. Allele origin: germline.

Mayo Clinic Laboratories, Mayo Clinic
Classification: Benign. Last evaluated: 2023-06-16. Review status: criteria provided, single submitter. Criteria: ACMG Guidelines, 2015. Collection method: clinical testing. Allele origin: germline. Observed: 7 variant alleles.
Comment: BA1, BS2, BP3

Genome-Nilou Lab
Classification: Benign for Brittle cornea syndrome 1. Last evaluated: 2021-12-05. Review status: criteria provided, single submitter. Criteria: ACMG Guidelines, 2015. Collection method: clinical testing. Allele origin: germline. Affected: no.

Ambry Genetics
Classification: Likely benign for Cardiovascular phenotype. Last evaluated: 2019-07-05. Review status: criteria provided, single submitter. Criteria: Ambry Variant Classification Scheme 2023. Collection method: clinical testing. Allele origin: germline.

GeneDx
Classification: Benign. Last evaluated: 2019-04-04. Review status: criteria provided, single submitter. Criteria: GeneDx Variant Classification Process June 2021. Collection method: clinical testing. Allele origin: germline. Affected: yes.

PreventionGenetics, part of Exact Sciences
Classification: Benign for ZNF469-related condition. Last evaluated: 2019-05-01. Review status: no assertion criteria provided. Collection method: clinical testing. Allele origin: germline. Not counted in ClinVar's aggregate classification.
Comment: This variant is classified as benign based on ACMG/AMP sequence variant interpretation guidelines (Richards et al. 2015 PMID: 25741868, with internal and published modifications).

NM_001367624.2(ZNF469):c.2625_2645del (p.Pro876_Gly882del)

Gene: ZNF469 (zinc finger protein 469; plus strand). Cytogenetic location: 16q24.2.
Variant type: Deletion.
Coding change: c.2625_2645del on transcript NM_001367624.2 (MANE Select); coding-DNA positions 2625 to 2645, 21 bases deleted (CCCCAGAGGTCCCAGCTCCGG).
Protein change: p.Pro876_Gly882del.
Molecular consequence: inframe deletion.
Genome position (GRCh38, 1-based): chr16:88,430,095-88,430,115, CCCCAGAGGTCCCAGCTCCGG deleted; deleting any 21 consecutive bases within chr16:88,430,090-88,430,115 gives the same sequence; the c. name uses the placement nearest the transcript's 3' end. VCF-style (leftmost placement, unchanged base first): chr16-88430089-TTCCGGCCCCAGAGGTCCCAGC-T. GRCh37 (hg19) VCF-style: chr16-88496497-TTCCGGCCCCAGAGGTCCCAGC-T.
Other names: NM_001127464.1:c.2625_2645del21; NM_001127464.1:c.2625_2645del; NM_001127464.2:c.2625_2645del21; p.Pro876_Gly882del; c.2625_2645del21 (NM_001367624.2).
Identifiers: ClinVar variation 421232 (VCV000421232.16), dbSNP rs113102840, ClinGen allele CA8224787.